The following is an entry in ClinVar:

ClinVar aggregate classification (germline): Benign. Review status: criteria provided, multiple submitters, no conflicts (2 of 4 stars). 5 submissions from 5 submitters: Benign (5). Last evaluated 2026-01-24.

Conditions:
Primary ciliary dyskinesia. Also called: Ciliary dyskinesia. Identifiers: Orphanet 244, MedGen C0008780, MONDO:0016575, HP:0012265.

Allele frequency attached by ClinVar (database versions not stated): gnomAD exomes 0.00094; ExAC 0.00167; 1000 Genomes Project 0.00359; gnomAD 0.00441 and 0.00481; 1000 Genomes Project 30x 0.00453; ESP Exome Variant Server 0.00471; TOPMed 0.00481.
gnomAD v4.1: 1,278 of 1,611,142 alleles (0.079%); highest among the groups gnomAD compares: African/African-American, 1.6%; 12 homozygotes.

Submissions (5):

Labcorp Genetics (formerly Invitae), Labcorp
Classification: Benign for Primary ciliary dyskinesia. Last evaluated: 2026-01-24. Review status: criteria provided, single submitter. Criteria: Invitae Variant Classification Sherloc (09022015). Collection method: clinical testing. Allele origin: germline.

GeneDx
Classification: Benign. Last evaluated: 2021-01-20. Review status: criteria provided, single submitter. Criteria: GeneDx Variant Classification Process June 2021. Collection method: clinical testing. Allele origin: germline. Affected: yes.
Comment: This variant is associated with the following publications: (PMID: 24450482)

Eurofins Ntd Llc (ga)
Classification: Benign. Last evaluated: 2018-01-02. Review status: criteria provided, single submitter. Criteria: EGL Classification Definitions 2015. Collection method: clinical testing. Allele origin: germline. Observed: 1 variant allele, 1 heterozygote.

Ambry Genetics
Classification: Benign for Primary ciliary dyskinesia. Last evaluated: 2015-08-17. Review status: criteria provided, single submitter. Criteria: Ambry Variant Classification Scheme 2023. Collection method: clinical testing. Allele origin: germline.

PreventionGenetics, part of Exact Sciences
Classification: Benign. Review status: criteria provided, single submitter. Criteria: ACMG Guidelines, 2015. Collection method: clinical testing. Allele origin: germline.

NM_001277115.2(DNAH11):c.8362C>G (p.His2788Asp)

Gene: DNAH11 (dynein axonemal heavy chain 11; plus strand). Cytogenetic location: 7p15.3.
Variant type: single nucleotide variant.
Coding change: c.8362C>G on transcript NM_001277115.2 (MANE Select); coding-DNA position 8362, C replaced by G.
Protein change: p.His2788Asp; replaces histidine 2788 with aspartic acid.
Molecular consequence: missense variant.
Genome position (GRCh38, 1-based): chr7:21,744,915, C>G. VCF-style: chr7-21744915-C-G. GRCh37 (hg19) VCF-style: chr7-21784533-C-G.
Other names: short protein forms H2788D.
Identifiers: ClinVar variation 238934 (VCV000238934.26), dbSNP rs147478795, ClinGen allele CA4181580.
Genomic context (GRCh38, chr7:21,744,915, plus strand): 5'-TTTCTCATCCTGCAGGGTATAGATAGTCACATGCTGCTTCAACAGCCCCTCATTTATTGC[C>G]ACTTTGCTGATAGAGGGAAGGACCCACATTACATGCCAGTGAAGGACTGGGAAGTGCTGA-3'
Protein context (NP_001264044.1, residues 2778-2798): MLLQQPLIYC[His2788Asp]FADRGKDPHY